The following is an entry in ClinVar:

ClinVar aggregate classification (germline): Uncertain significance (1 of 4 stars; one submission).

Conditions:
Cardiovascular phenotype. Identifiers: MedGen CN230736.

Allele frequency attached by ClinVar (database versions not stated): gnomAD 0.00002; TOPMed 0.00003.
gnomAD v4.1: 7 of 1,550,014 alleles (0.00045%); highest among the groups gnomAD compares: African/African-American, 0.0068%; no homozygotes.

Submission:

Ambry Genetics
Classification: Uncertain significance for Cardiovascular phenotype. Last evaluated: 2024-02-03. Review status: criteria provided, single submitter. Criteria: Ambry Variant Classification Scheme 2023. Collection method: clinical testing. Allele origin: germline.
Comment: The p.S393T variant (also known as c.1178G>C), located in coding exon 1 of the ZNF469 gene, results from a G to C substitution at nucleotide position 1178. The serine at codon 393 is replaced by threonine, an amino acid with similar properties. This amino acid position is conserved. In addition, this alteration is predicted to be tolerated by in silico analysis. Based on the available evidence, the clinical significance of this alteration remains unclear.

NM_001367624.2(ZNF469):c.1178G>C (p.Ser393Thr)

Gene: ZNF469 (zinc finger protein 469; plus strand). Cytogenetic location: 16q24.2.
Variant type: single nucleotide variant.
Coding change: c.1178G>C on transcript NM_001367624.2 (MANE Select); coding-DNA position 1178, G replaced by C.
Protein change: p.Ser393Thr; replaces serine 393 with threonine.
Molecular consequence: missense variant.
Genome position (GRCh38, 1-based): chr16:88,428,648, G>C. VCF-style: chr16-88428648-G-C. GRCh37 (hg19) VCF-style: chr16-88495056-G-C.
Other names: NM_001127464.1:c.1178G>C; short protein forms S393T.
Identifiers: ClinVar variation 3232755 (VCV003232755.1), dbSNP rs1207447735, ClinGen allele CA397063614.